The following is an entry in ClinVar:

ClinVar aggregate classification (germline): Uncertain significance (1 of 4 stars; one submission).

Submission:

Labcorp Genetics (formerly Invitae), Labcorp
Classification: Uncertain significance. Last evaluated: 2020-03-10. Review status: criteria provided, single submitter. Criteria: Invitae Variant Classification Sherloc (09022015). Collection method: clinical testing. Allele origin: germline.
Comment: This sequence change replaces proline with serine at codon 485 of the WHRN protein (p.Pro485Ser). The proline residue is highly conserved and there is a moderate physicochemical difference between proline and serine. This variant is not present in population databases (ExAC no frequency). This variant has not been reported in the literature in individuals with WHRN-related conditions. Algorithms developed to predict the effect of missense changes on protein structure and function (SIFT, PolyPhen-2, Align-GVGD) all suggest that this variant is likely to be disruptive, but these predictions have not been confirmed by published functional studies and their clinical significance is uncertain. In summary, the available evidence is currently insufficient to determine the role of this variant in disease. Therefore, it has been classified as a Variant of Uncertain Significance.

NM_015404.4(WHRN):c.1453C>T (p.Pro485Ser)

Gene: WHRN (whirlin; minus strand). Cytogenetic location: 9q32.
Variant type: single nucleotide variant.
Coding change: c.1453C>T on transcript NM_015404.4 (MANE Select); coding-DNA position 1453, C replaced by T.
Protein change: p.Pro485Ser; replaces proline 485 with serine.
Molecular consequence: missense variant.
Genome position (GRCh38, 1-based): chr9:114,423,487, G>A on the plus strand (C>T on the coding strand, the complement: WHRN is on the minus strand). VCF-style: chr9-114423487-G-A. GRCh37 (hg19) VCF-style: chr9-117185767-G-A.
Other names: c.304C>T, p.Pro102Ser (NM_001083885.3); c.1453C>T, p.Pro485Ser (NM_001173425.2); c.400C>T, p.Pro134Ser (NM_001346890.1); short protein forms P102S, P134S, P485S.
Identifiers: ClinVar variation 1019586 (VCV001019586.9), dbSNP rs1836509946, ClinGen allele CA374607596.